The following is an entry in ClinVar:

ClinVar aggregate classification (germline): Pathogenic (1 of 4 stars; one submission).

Conditions:
Aniridia 1 (AN1). Identifiers: Orphanet 250923, MedGen C0344542, MONDO:0024507, OMIM 106210.
Irido-corneo-trabecular dysgenesis (ASGD5). Also called: ANTERIOR SEGMENT DYSGENESIS 5. Identifiers: Orphanet 708, MedGen C0344559, MONDO:0011414, OMIM 604229, HP:0000659.

Submission:

Labcorp Genetics (formerly Invitae), Labcorp
Classification: Pathogenic for Aniridia 1; Irido-corneo-trabecular dysgenesis. Last evaluated: 2024-05-09. Review status: criteria provided, single submitter. Criteria: Invitae Variant Classification Sherloc (09022015). Collection method: clinical testing. Allele origin: germline.
Comment: This sequence change creates a premature translational stop signal (p.Gln89Serfs*35) in the PAX6 gene. It is expected to result in an absent or disrupted protein product. Loss-of-function variants in PAX6 are known to be pathogenic (PMID: 12634864). This variant is not present in population databases (gnomAD no frequency). This variant has not been reported in the literature in individuals affected with PAX6-related conditions. For these reasons, this variant has been classified as Pathogenic.

Literature cited by the submitters: PubMed 12634864.

NM_001368894.2(PAX6):c.307del (p.Gln103fs)

Gene: PAX6 (paired box 6; minus strand). Cytogenetic location: 11p13.
Variant type: Deletion.
Coding change: c.307del on transcript NM_001368894.2 (MANE Select); coding-DNA position 307, one base deleted (C; older notation c.307delC).
Protein change: p.Gln103fs; shifts the reading frame from glutamine 103.
Molecular consequence: frameshift variant. On other transcripts: 5 prime UTR variant (14), non-coding transcript variant (2), intron variant (8).
Genome position (GRCh38, 1-based): chr11:31,801,653, G deleted on the plus strand (C on the coding strand, the reverse complement: PAX6 is on the minus strand); the first of 3 consecutive G bases (chr11:31,801,653-31,801,655); deleting any one gives the same sequence. VCF-style (leftmost placement, unchanged base first): chr11-31801652-TG-T. GRCh37 (hg19) VCF-style: chr11-31823200-TG-T.
Other names: c.265del, p.Gln89fs (NM_000280.6, NM_001127612.3, NM_001258464.2 and 10 more transcripts); c.307del, p.Gln103fs (NM_001258462.3, NM_001258463.2, NM_001310158.2 and 6 more transcripts); c.-475del (NM_001310160.2, NM_001368902.2, NM_001368905.2); c.-144del (NM_001310161.3, NM_001368899.2, NM_001368900.2 and 8 more transcripts); c.508del, p.Gln170fs (NM_001368910.2); c.310del, p.Gln104fs (NM_001368911.2); c.382del, p.Gln128fs (NM_001368918.2, NM_001368919.2); c.340del, p.Gln114fs (NM_001368920.2); and 2 more; short protein forms Q103fs, Q104fs, Q114fs, Q128fs, Q170fs, Q89fs.
Identifiers: ClinVar variation 3756273 (VCV003756273.2).